The following is an entry in ClinVar:

NM_032043.3(BRIP1):c.888G>A (p.Glu296=)

Gene: BRIP1 (BRCA1 interacting DNA helicase 1; minus strand). Cytogenetic location: 17q23.2.
Variant type: single nucleotide variant.
Coding change: c.888G>A on transcript NM_032043.3 (MANE Select); coding-DNA position 888, G replaced by A.
Protein change: p.Glu296=; no amino-acid change (glutamic acid 296 retained).
Molecular consequence: synonymous variant.
Genome position (GRCh38, 1-based): chr17:61,808,497, C>T on the plus strand (G>A on the coding strand, the complement: BRIP1 is on the minus strand). VCF-style: chr17-61808497-C-T. GRCh37 (hg19) VCF-style: chr17-59885858-C-T.
Identifiers: ClinVar variation 1764989 (VCV001764989.3), dbSNP rs876658249, ClinGen allele CA501335381.

ClinVar aggregate classification (germline): Benign/Likely benign. Review status: criteria provided, multiple submitters, no conflicts (2 of 4 stars). 2 submissions from 2 submitters: Benign (1); Likely benign (1). Last evaluated 2024-08-22.

Conditions:
Hereditary cancer-predisposing syndrome. Also called: Neoplastic Syndromes, Hereditary; Tumor predisposition; Hereditary Cancer Syndrome; Hereditary neoplastic syndrome. Identifiers: Orphanet 140162, MedGen C0027672, MeSH D009386, MONDO:0015356.
Familial cancer of breast. Also called: hereditary breast carcinoma; BREAST CANCER, FAMILIAL; Hereditary breast cancer. Identifiers: Orphanet 227535, MedGen C0346153, MONDO:0016419, OMIM 114480. Disease mechanism: loss of function.

Submissions (2):

Myriad Genetics, Inc.
Classification: Benign for Familial cancer of breast. Last evaluated: 2024-08-22. Review status: criteria provided, single submitter. Criteria: Myriad Autosomal Dominant, Autosomal Recessive and X-Linked Classification Criteria (2023). Collection method: clinical testing. Allele origin: unknown.
Comment: This variant is considered benign. This variant is a silent/synonymous amino acid change and it is not expected to impact splicing.

Ambry Genetics
Classification: Likely benign for Hereditary cancer-predisposing syndrome. Last evaluated: 2021-02-15. Review status: criteria provided, single submitter. Criteria: Ambry Variant Classification Scheme 2023. Collection method: clinical testing. Allele origin: germline.